The following is an entry in ClinVar:

NM_000059.4(BRCA2):c.5919T>C (p.Asn1973=)

Gene: BRCA2 (BRCA2 DNA repair associated; plus strand). Cytogenetic location: 13q13.1.
Variant type: single nucleotide variant.
Coding change: c.5919T>C on transcript NM_000059.4 (MANE Select); coding-DNA position 5919, T replaced by C.
Protein change: p.Asn1973=; no amino-acid change (asparagine 1973 retained).
Molecular consequence: synonymous variant.
Genome position (GRCh38, 1-based): chr13:32,340,274, T>C. VCF-style: chr13-32340274-T-C. GRCh37 (hg19) VCF-style: chr13-32914411-T-C.
Identifiers: ClinVar variation 187728 (VCV000187728.20), dbSNP rs761612343, ClinGen allele CA023366.

ClinVar aggregate classification (germline): Likely benign. Review status: reviewed by expert panel (3 of 4 stars). 7 submissions from 7 submitters: Likely benign (1). 6 of the submissions do not count toward it. Last evaluated 2017-06-29.

Conditions:
Hereditary cancer-predisposing syndrome. Also called: Hereditary Cancer Syndrome; Neoplastic Syndromes, Hereditary; Tumor predisposition; Hereditary neoplastic syndrome. Identifiers: Orphanet 140162, MedGen C0027672, MeSH D009386, MONDO:0015356.
Hereditary breast ovarian cancer syndrome. Also called: Hereditary breast and ovarian cancer; Hereditary breast and ovarian cancer syndrome; Breast and ovarian cancer; Hereditary breast and ovarian cancer syndrome (HBOC); Hereditary breast and/or ovarian cancer syndrome; BRCA1- and BRCA2-Associated Hereditary Breast and Ovarian Cancer. Identifiers: Orphanet 145, MedGen C0677776, MeSH D061325, MONDO:0003582. Disease mechanism: loss of function.
Breast-ovarian cancer, familial, susceptibility to, 2 (BROVCA2). Also called: BRCA2 Hereditary Breast and Ovarian Cancer. Identifiers: Orphanet 145, MedGen C2675520, MONDO:0012933, OMIM 612555. Disease mechanism: loss of function.

Allele frequency attached by ClinVar (database versions not stated): gnomAD exomes below 0.00001 and 0.00001; ExAC 0.00001.
gnomAD v4.1: 4 of 1,614,002 alleles (0.00025%); highest among the groups gnomAD compares: Admixed American, 0.0017%; no homozygotes.

Submissions (7):

Evidence-based Network for the Interpretation of Germline Mutant Alleles (ENIGMA)
Classification: Likely benign for Breast-ovarian cancer, familial, susceptibility to, 2. Last evaluated: 2017-06-29. Review status: reviewed by expert panel. Criteria: ENIGMA BRCA1/2 Classification Criteria (2017-06-29). Collection method: curation. Allele origin: germline.
Comment: Synonymous substitution variant, with low bioinformatic likelihood to result in a splicing aberration (Splicing prior probability 0.02).

Labcorp Genetics (formerly Invitae), Labcorp
Classification: Likely benign for Hereditary breast ovarian cancer syndrome. Last evaluated: 2025-09-30. Review status: criteria provided, single submitter. Criteria: Invitae Variant Classification Sherloc (09022015). Collection method: clinical testing. Allele origin: germline. Not counted in ClinVar's aggregate classification.

Quest Diagnostics Nichols Institute San Juan Capistrano
Classification: Likely benign. Last evaluated: 2024-12-17. Review status: criteria provided, single submitter. Criteria: Quest Diagnostics criteria. Collection method: clinical testing. Allele origin: unknown. Not counted in ClinVar's aggregate classification.

All of Us Research Program, National Institutes of Health
Classification: Likely benign for Breast-ovarian cancer, familial, susceptibility to, 2. Last evaluated: 2023-11-20. Review status: criteria provided, single submitter. Criteria: ACMG Guidelines, 2015. Collection method: clinical testing. Allele origin: germline. Inheritance: Autosomal dominant inheritance. Observed: 1 variant allele, 1 heterozygote. Not counted in ClinVar's aggregate classification.
Comment: This study involves interpretation of variants in research participants for the purpose of population health screening. Participant phenotype was not available at the time of variant classification. Additional details can be found in publication PMID: 35346344, PMCID: PMC8962531

Color Diagnostics, LLC DBA Color Health
Classification: Likely benign for Hereditary cancer-predisposing syndrome. Last evaluated: 2022-06-13. Review status: criteria provided, single submitter. Criteria: ACMG Guidelines, 2015. Collection method: clinical testing. Allele origin: germline. Not counted in ClinVar's aggregate classification.

GeneDx
Classification: Likely benign. Last evaluated: 2020-01-31. Review status: criteria provided, single submitter. Criteria: GeneDx Variant Classification Process June 2021. Collection method: clinical testing. Allele origin: germline. Affected: yes. Not counted in ClinVar's aggregate classification.

Ambry Genetics
Classification: Likely benign for Hereditary cancer-predisposing syndrome. Last evaluated: 2014-12-26. Review status: criteria provided, single submitter. Criteria: Ambry Variant Classification Scheme 2023. Collection method: clinical testing. Allele origin: germline. Not counted in ClinVar's aggregate classification.